The following is an entry in ClinVar:

NM_000238.4(KCNH2):c.621C>T (p.Ser207=)

Gene: KCNH2 (potassium voltage-gated channel subfamily H member 2; minus strand). Cytogenetic location: 7q36.1.
Variant type: single nucleotide variant.
Coding change: c.621C>T on transcript NM_000238.4 (MANE Select); coding-DNA position 621, C replaced by T.
Protein change: p.Ser207=; no amino-acid change (serine 207 retained).
Molecular consequence: synonymous variant. On other transcripts: non-coding transcript variant (1).
Genome position (GRCh38, 1-based): chr7:150,958,354, G>A on the plus strand (C>T on the coding strand, the complement: KCNH2 is on the minus strand). VCF-style: chr7-150958354-G-A. GRCh37 (hg19) VCF-style: chr7-150655442-G-A.
Other names: p.Ser207=; c.621C>T (NM_000238.2); c.333C>T, p.Ser111= (NM_001406753.1, NM_001406756.1); c.444C>T, p.Ser148= (NM_001406755.1); c.321C>T, p.Ser107= (NM_001406757.1); c.621C>T, p.Ser207= (NM_172056.3).
Identifiers: ClinVar variation 220543 (VCV000220543.29), dbSNP rs41314417, ClinGen allele CA040109.

ClinVar aggregate classification (germline): Benign/Likely benign. Review status: criteria provided, multiple submitters, no conflicts (2 of 4 stars). 11 submissions from 11 submitters: Benign (4); Likely benign (6). 1 of the submissions does not count toward it. Last evaluated 2026-06-01.

Conditions:
KCNH2-related disorder. Also called: KCNH2-related disorders; KCNH2-related condition.
Cardiovascular phenotype. Identifiers: MedGen CN230736.
Short QT syndrome type 1. Identifiers: Orphanet 51083, MedGen C1865020, MONDO:0012312, OMIM 609620.
Long QT syndrome 2 (LQT2). Identifiers: Orphanet 101016, Orphanet 768, MedGen C3150943, MONDO:0013367, OMIM 613688.
Long QT syndrome (LQTS). Identifiers: MedGen C0023976, MeSH D008133, MONDO:0002442. Disease mechanism: loss of function. Inheritance: Various modes of inheritance.

Allele frequency attached by ClinVar (database versions not stated): gnomAD exomes 0.00023 and 0.00036; ExAC 0.00136; gnomAD 0.00273 and 0.00289; TOPMed 0.00303; ESP Exome Variant Server 0.00319; 1000 Genomes Project 0.00399; 1000 Genomes Project 30x 0.00422.
gnomAD v4.1: 740 of 1,485,444 alleles (0.05%); highest among the groups gnomAD compares: African/African-American, 0.94%; 3 homozygotes.

Submissions (11):

CeGaT Center for Human Genetics Tuebingen
Classification: Likely benign. Last evaluated: 2026-06-01. Review status: criteria provided, single submitter. Criteria: CeGaT Center For Human Genetics Tuebingen Variant Classification Criteria Version 2. Collection method: clinical testing. Allele origin: germline. Affected: yes. Observed: 1 variant allele.
Comment: KCNH2: BS1

Labcorp Genetics (formerly Invitae), Labcorp
Classification: Benign for Long QT syndrome. Last evaluated: 2026-02-03. Review status: criteria provided, single submitter. Criteria: Invitae Variant Classification Sherloc (09022015). Collection method: clinical testing. Allele origin: germline.

Mayo Clinic Laboratories, Mayo Clinic
Classification: Likely benign. Last evaluated: 2025-06-03. Review status: criteria provided, single submitter. Criteria: ACMG Guidelines, 2015. Collection method: clinical testing. Allele origin: germline. Observed: 2 variant alleles.
Comment: BS1

Blueprint Genetics
Classification: Likely benign. Last evaluated: 2024-11-13. Review status: criteria provided, single submitter. Criteria: ACMG Guidelines, 2015. Collection method: clinical testing. Allele origin: germline.

ARUP Laboratories, Molecular Genetics and Genomics, ARUP Laboratories
Classification: Likely benign. Last evaluated: 2024-10-25. Review status: criteria provided, single submitter. Criteria: ARUP Molecular Germline Variant Investigation Process 2024. Collection method: clinical testing. Allele origin: germline.

Women's Health and Genetics/Laboratory Corporation of America, LabCorp
Classification: Benign. Last evaluated: 2023-04-10. Review status: criteria provided, single submitter. Criteria: LabCorp Variant Classification Summary - May 2015. Collection method: clinical testing. Allele origin: germline.

Athena Diagnostics
Classification: Benign. Last evaluated: 2018-11-29. Review status: criteria provided, single submitter. Criteria: Athena Diagnostics Criteria. Collection method: clinical testing. Allele origin: germline.

Ambry Genetics
Classification: Likely benign for Cardiovascular phenotype. Last evaluated: 2017-08-21. Review status: criteria provided, single submitter. Criteria: Ambry Variant Classification Scheme 2023. Collection method: clinical testing. Allele origin: germline.

GeneDx
Classification: Benign. Last evaluated: 2015-03-03. Review status: criteria provided, single submitter. Criteria: GeneDx Variant Classification Process June 2021. Collection method: clinical testing. Allele origin: germline. Affected: yes.

Center for Genomics, Ann and Robert H. Lurie Children's Hospital of Chicago
Classification: Likely benign for Short QT syndrome type 1; Long QT syndrome 2. Review status: criteria provided, single submitter. Criteria: ACMG Guidelines, 2015. Collection method: clinical testing. Allele origin: germline.
Comment: This variant has not been reported in the literature but is present in the Genome Aggregation Database (Highest reported MAF 0.9% (392/41420) including 1 homozygote. This variant is present in ClinVar, with several labs classifying this variant as Likely Benign or Benign (Variation ID:220543). Evolutionary conservation and computational predictive tools for this variant are limited or unavailable. Of note, this variant is a silent variant and does not change the amino acid, reducing the probability that this variant is disease causing. Splice prediction tools suggest that this variant may affect splicing. However, further studies are needed to understand its impact. In summary, data on this variant suggests that this variant does not cause disease but requires further evidence. Therefore, this variant is classified as likely benign.

PreventionGenetics, part of Exact Sciences
Classification: Benign for KCNH2-related condition. Last evaluated: 2019-06-14. Review status: no assertion criteria provided. Collection method: clinical testing. Allele origin: germline. Not counted in ClinVar's aggregate classification.
Comment: This variant is classified as benign based on ACMG/AMP sequence variant interpretation guidelines (Richards et al. 2015 PMID: 25741868, with internal and published modifications).